The following is an entry in ClinVar:

NM_018129.4(PNPO):c.659A>G (p.Gln220Arg)

Gene: PNPO (pyridoxamine 5'-phosphate oxidase; plus strand). Cytogenetic location: 17q21.32.
Variant type: single nucleotide variant.
Coding change: c.659A>G on transcript NM_018129.4 (MANE Select); coding-DNA position 659, A replaced by G.
Protein change: p.Gln220Arg; replaces glutamine 220 with arginine.
Molecular consequence: missense variant.
Genome position (GRCh38, 1-based): chr17:47,946,655, A>G. VCF-style: chr17-47946655-A-G. GRCh37 (hg19) VCF-style: chr17-46024021-A-G.
Other names: short protein forms Q220R.
Identifiers: ClinVar variation 2008584 (VCV002008584.4), dbSNP rs2509294666, ClinGen allele CA400062365.

ClinVar aggregate classification (germline): Uncertain significance (1 of 4 stars; one submission).

Conditions:
Pyridoxal phosphate-responsive seizures (PNPOD). Also called: Pyridoxamine 5-Prime-Phosphate Oxidase Deficiency; Pyridoxine-5'-phosphate oxidase deficiency; EPILEPTIC ENCEPHALOPATHY, NEONATAL, PNPO-RELATED; SEIZURES, PYRIDOXINE-RESISTANT, PLP-SENSITIVE; Pyridoxal 5'-Phosphate (PLP)-Dependent Epilepsy. Identifiers: Orphanet 79096, MedGen C1864723, MONDO:0012407, OMIM 610090. Disease mechanism: loss of function.

Submission:

Labcorp Genetics (formerly Invitae), Labcorp
Classification: Uncertain significance for Pyridoxal phosphate-responsive seizures. Last evaluated: 2021-12-08. Review status: criteria provided, single submitter. Criteria: Invitae Variant Classification Sherloc (09022015). Collection method: clinical testing. Allele origin: germline.
Comment: In summary, the available evidence is currently insufficient to determine the role of this variant in disease. Therefore, it has been classified as a Variant of Uncertain Significance. Algorithms developed to predict the effect of missense changes on protein structure and function are either unavailable or do not agree on the potential impact of this missense change (SIFT: "Deleterious"; PolyPhen-2: "Probably Damaging"; Align-GVGD: "Class C0"). This variant has not been reported in the literature in individuals affected with PNPO-related conditions. This variant is not present in population databases (gnomAD no frequency). This sequence change replaces glutamine, which is neutral and polar, with arginine, which is basic and polar, at codon 220 of the PNPO protein (p.Gln220Arg).